The following is an entry in ClinVar:

ClinVar aggregate classification (germline): Uncertain significance. Review status: criteria provided, multiple submitters, no conflicts (2 of 4 stars). 2 submissions from 2 submitters: Uncertain significance (2). Last evaluated 2024-04-14.

Conditions:
Dilated cardiomyopathy 1KK (CMD1KK). Identifiers: Orphanet 154, Orphanet 75249, MedGen C3714995, MONDO:0014100, OMIM 615248.
Cardiovascular phenotype. Identifiers: MedGen CN230736.

Submissions (2):

Ambry Genetics
Classification: Uncertain significance for Cardiovascular phenotype. Last evaluated: 2024-04-14. Review status: criteria provided, single submitter. Criteria: Ambry Variant Classification Scheme 2023. Collection method: clinical testing. Allele origin: germline.
Comment: The p.D365N variant (also known as c.1093G>A), located in coding exon 3 of the MYPN gene, results from a G to A substitution at nucleotide position 1093. The aspartic acid at codon 365 is replaced by asparagine, an amino acid with highly similar properties. This amino acid position is conserved. In addition, this alteration is predicted to be tolerated by in silico analysis. Based on the available evidence, the clinical significance of this variant remains unclear.

Labcorp Genetics (formerly Invitae), Labcorp
Classification: Uncertain significance for Dilated cardiomyopathy 1KK. Last evaluated: 2022-05-22. Review status: criteria provided, single submitter. Criteria: Invitae Variant Classification Sherloc (09022015). Collection method: clinical testing. Allele origin: germline.
Comment: This variant is not present in population databases (gnomAD no frequency). In summary, the available evidence is currently insufficient to determine the role of this variant in disease. Therefore, it has been classified as a Variant of Uncertain Significance. Algorithms developed to predict the effect of missense changes on protein structure and function are either unavailable or do not agree on the potential impact of this missense change (SIFT: "Deleterious"; PolyPhen-2: "Possibly Damaging"; Align-GVGD: "Class C0"). This variant has not been reported in the literature in individuals affected with MYPN-related conditions. This sequence change replaces aspartic acid, which is acidic and polar, with asparagine, which is neutral and polar, at codon 365 of the MYPN protein (p.Asp365Asn).

NM_032578.4(MYPN):c.1093G>A (p.Asp365Asn)

Gene: MYPN (myopalladin; plus strand). Cytogenetic location: 10q21.3.
Variant type: single nucleotide variant.
Coding change: c.1093G>A on transcript NM_032578.4 (MANE Select); coding-DNA position 1093, G replaced by A.
Protein change: p.Asp365Asn; replaces aspartic acid 365 with asparagine.
Molecular consequence: missense variant. On other transcripts: non-coding transcript variant (2).
Genome position (GRCh38, 1-based): chr10:68,145,489, G>A. VCF-style: chr10-68145489-G-A. GRCh37 (hg19) VCF-style: chr10-69905246-G-A.
Other names: c.1093G>A (NM_032578.2); c.1093G>A, p.Asp365Asn (NM_001256267.2); c.211G>A, p.Asp71Asn (NM_001256268.2); short protein forms D365N, D71N.
Identifiers: ClinVar variation 2076075 (VCV002076075.5), dbSNP rs2495590655, ClinGen allele CA376830435.